The following is an entry in ClinVar:

NM_001034853.2(RPGR):c.3119_3120del (p.Glu1040fs)

Gene: RPGR (retinitis pigmentosa GTPase regulator; minus strand). Cytogenetic location: Xp11.4.
Variant type: Microsatellite.
Coding change: c.3119_3120del on transcript NM_001034853.2 (MANE Select); coding-DNA positions 3119 to 3120, 2 bases deleted (AG; older notation c.3119_3120delAG).
Protein change: p.Glu1040fs; shifts the reading frame from glutamic acid 1040.
Molecular consequence: frameshift variant. On other transcripts: intron variant (8).
Genome position (GRCh38, 1-based): chrX:38,285,879-38,285,880, CT deleted on the plus strand (AG on the coding strand, the reverse complement: RPGR is on the minus strand); deleting any 2 consecutive bases within chrX:38,285,879-38,285,883 gives the same sequence; the c. name uses the placement nearest the transcript's 3' end. VCF-style (leftmost placement, unchanged base first): chrX-38285878-CCT-C. GRCh37 (hg19) VCF-style: chrX-38145131-CCT-C.
Other names: c.1569+5079_1569+5080del (NM_001367249.1, NM_001367250.1); c.1902+1214_1902+1215del (NM_001367245.1); c.1386+5079_1386+5080del (NM_001367251.1); c.1719+1214_1719+1215del (NM_001367246.1); c.1572+5079_1572+5080del (NM_001367247.1); c.1905+1214_1905+1215del (NM_000328.3); c.1602+5079_1602+5080del (NM_001367248.1); short protein forms E1040fs.
Identifiers: ClinVar variation 4710850 (VCV004710850.1).
Genomic context (GRCh38, chrX:38,285,878, plus strand): 5'-CTTCTCTGTTCCTCCTGTTTTCTTCTCCTTCCCCCTCCTTTTCCCTTTCTTCTCCTTCCT[CCT>C]CTCCTTCCTCTTCCTCTCCTTCCCCCTCTCCTTCCTCCCCTTCCACCTCCCCTTCCACTT-3'

ClinVar aggregate classification (germline): Pathogenic (1 of 4 stars; one submission).

Conditions:
Primary ciliary dyskinesia. Also called: Ciliary dyskinesia. Identifiers: Orphanet 244, MedGen C0008780, MONDO:0016575, HP:0012265.

Submission:

Labcorp Genetics (formerly Invitae), Labcorp
Classification: Pathogenic for Primary ciliary dyskinesia. Last evaluated: 2025-10-20. Review status: criteria provided, single submitter. Criteria: Invitae Variant Classification Sherloc (09022015). Collection method: clinical testing. Allele origin: germline.
Comment: This sequence change creates a premature translational stop signal (p.Glu1040Glyfs*38) in the RPGR (ORF15) gene. While this is not anticipated to result in nonsense mediated decay, it is expected to disrupt the last 113 amino acid(s) of the RPGR (ORF15) protein. This variant is not present in population databases (gnomAD no frequency). This premature translational stop signal has been observed in individual(s) with cone-rod dystrophy (PMID: 35806195). This variant disrupts a region of the RPGR (ORF15) protein in which other variant(s) (p.Ser1107Valfs*4) have been determined to be pathogenic (PMID: 15734019, 21866333). This suggests that this is a clinically significant region of the protein, and that variants that disrupt it are likely to be disease-causing. For these reasons, this variant has been classified as Pathogenic.

Literature cited by the submitters: PubMed 35806195; PubMed 15734019; PubMed 21866333.